The following continues an entry in ClinVar:

NM_000053.4(ATP7B):c.3443T>C (p.Ile1148Thr)

Gene: ATP7B. ClinVar aggregate classification (germline): Pathogenic/Likely pathogenic. Pathogenic (20); Likely pathogenic (1).

Submissions 10 to 20 of 25:

Color Diagnostics, LLC DBA Color Health
Classification: Pathogenic for Wilson disease. Last evaluated: 2024-05-16. Review status: criteria provided, single submitter. Criteria: ACMG Guidelines, 2015. Collection method: clinical testing. Allele origin: germline.
Comment: This missense variant replaces isoleucine with threonine at codon 1148 of the ATP7B protein. Computational prediction suggests that this variant may have deleterious impact on protein structure and function. This variant alters a conserved isoleucine residue in the N domain of the ATP7B protein (a.a. 1032 - 1196), a highly conserved region that is considered to be important for ATP7B protein function (PMID: 35245129ClinVar). Functional studies in yeast have shown that this variant results in normal protein expression and mild to intermediate deficits in a complementation assay (PMID: 20333758). This variant has been reported in individuals affected with Wilson disease (PMID: 9801873, 10447265, 14986826, 15523622, 15845031, 17587212, 18034201, 18483695, 21796144, 21034864, 22677543, 24146181, 23843956, 23275100, 25089800, 24726229, 26580967, 27022412, 27982432, 28212618, 29930488, 30384382, 30884209, 30702195, 34470610, 34400371, 35782615) and is consider a founder variant in several Chinese populations (PMID: 23843956, 30384382). In a number of these individuals, this variant was confirmed to be in the homozygous state or compound heterozygous state (PMID: 15523622, 20465995, 24146181, 23843956, 23275100, 27982432, 28212618, 30702195). One individual carried this variant along with a variant of uncertain significance in cis and third variant known to be pathogenic in trans (PMID: 15845031). In a separate study, this variant was identified in four individuals affected with Wilson disease, all carrying the same variant of uncertain significance in cis and different known pathogenic variants in trans (PMID: 18034201). This variant has been identified in 11/280974 chromosomes in the general population by the Genome Aggregation Database (gnomAD). Based on the available evidence, this variant is classified as Pathogenic.

Baylor Genetics
Classification: Pathogenic for Wilson disease. Last evaluated: 2024-03-13. Review status: criteria provided, single submitter. Criteria: ACMG Guidelines, 2015. Collection method: clinical testing. Allele origin: unknown.

Laboratory for Molecular Medicine, Mass General Brigham Personalized Medicine
Classification: Pathogenic for Wilson disease. Last evaluated: 2023-11-09. Review status: criteria provided, single submitter. Criteria: ACMG Guidelines, 2015. Collection method: clinical testing. Allele origin: germline. Inheritance: Autosomal recessive inheritance.
Comment: The p.Ile1148Thr variant in ATP7B has been reported in >10 individuals with Wilson disease, including at least 2 homozygotes and 8 compound heterozygotes (Gu 2013 PMID: 23843956, Hua 2016 PMID: 27398169, Manolaki 2009 PMID: 19172127, Yu 2017 PMID: 28212618). This variant has also been reported by other clinical laboratories in ClinVar (Variation ID: 37122) and has been identified in 0.02% (1/3472) of Ashkenazi Jewish and 0.005% (2/41438) chromosomes by gnomAD (v.3.1.2), which is low enough to be consistent with a recessive allele frequency for Wilson disease. Computational prediction tools and conservation analyses suggest that this variant may impact the protein. In summary, this variant meets criteria to be classified as pathogenic for autosomal recessive Wilson disease. ACMG/AMP criteria applied: PM3_VeryStrong, PM2_Supporting, PP3.

GeneDx
Classification: Pathogenic. Last evaluated: 2023-10-31. Review status: criteria provided, single submitter. Criteria: GeneDx Variant Classification Process June 2021. Collection method: clinical testing. Allele origin: germline. Affected: yes.
Comment: Reported as a founder variant among individuals of Chinese background (PMID: 18034201, 23518715, 23843956, 25089800); Published functional studies suggest a moderate loss of function for the p.(I1148T) variant (PMID: 20333758); In silico analysis supports that this missense variant has a deleterious effect on protein structure/function; This variant is associated with the following publications: (PMID: 30366773, 28212618, 34400371, 23843956, 23518715, 21219664, 27398169, 30655162, 30275481, 33763395, 34240825, 35314707, 35470480, 35385937, 35782615, 30884209, 9801873, 18371106, 15967699, 14986826, 36253962, 35222532, 30384382, 18760268, 31172689, 24475083, 34470610, 26112727, 33668890, 28433102, 18034201, 20333758, 22692182, 25089800, 27982432, 15845031, 34002136, 27022412, 15523622, 36096368, 29930488, 26580967, 35538921, 10447265, 21034864, 18483695, 34324271, 21796144, 35444691)

Genome-Nilou Lab
Classification: Pathogenic for Wilson disease. Last evaluated: 2021-08-10. Review status: criteria provided, single submitter. Criteria: ACMG Guidelines, 2015. Collection method: clinical testing. Allele origin: germline. Affected: no.

Revvity Omics, Revvity
Classification: Pathogenic for Wilson disease. Last evaluated: 2021-01-08. Review status: criteria provided, single submitter. Criteria: ACMG Guidelines, 2015. Collection method: clinical testing. Allele origin: germline.

Laboratorio de Genetica e Diagnostico Molecular, Hospital Israelita Albert Einstein
Classification: Pathogenic for Wilson disease. Last evaluated: 2020-06-23. Review status: criteria provided, single submitter. Criteria: ACMG Guidelines, 2015. Collection method: clinical testing. Allele origin: germline.
Comment: ACMG classification criteria: PS4, PM2, PM3, PP1

ARUP Laboratories, Molecular Genetics and Genomics, ARUP Laboratories
Classification: Pathogenic for Wilson disease. Last evaluated: 2018-11-15. Review status: criteria provided, single submitter. Criteria: ARUP Molecular Germline Variant Investigation Process. Collection method: clinical testing. Allele origin: germline.
Comment: The ATP7B c.3443T>C; p.Ile1148Thr variant (rs60431989), is reported in the literature in the homozygous and compound heterozygous state in multiple individuals affected with Wilson disease (Dedoussis 2005, Gu 2013, Panagiotakaki 2004, Yu 2017). This variant is reported as pathogenic/likely pathogenic by multiple laboratories in ClinVar (Variation ID: 37122), and is found in the East Asian population with an allele frequency of 0.041% (8/19,538 alleles) in the Genome Aggregation Database. The isoleucine at codon 1148 is highly conserved, and computational analyses (SIFT, PolyPhen-2) predict that this variant is deleterious. Based on available information, the p.Ile1148Thr variant is considered to be pathogenic. References: Dedoussis GV et al. Wilson disease: high prevalence in a mountainous area of Crete. Ann Hum Genet. 2005 May;69(Pt 3):268-74. Gu S et al. Novel ATPase Cu(2+) transporting beta polypeptide mutations in Chinese families with Wilson's disease. PLoS One. 2013 Jul 2;8(7):e66526. Panagiotakaki E et al. Genotype-phenotype correlations for a wide spectrum of mutations in the Wilson disease gene (ATP7B). Am J Med Genet A. 2004 Dec 1;131(2):168-73. Yu H et al. Clinical features and outcome in patients with osseomuscular type of Wilson's disease. BMC Neurol. 2017 Feb 17;17(1):34.

Women's Health and Genetics/Laboratory Corporation of America, LabCorp
Classification: Pathogenic for Wilson disease. Last evaluated: 2018-05-10. Review status: criteria provided, single submitter. Criteria: LabCorp Variant Classification Summary - May 2015. Collection method: clinical testing. Allele origin: germline.
Comment: Variant summary: ATP7B c.3443T>C (p.Ile1148Thr) results in a non-conservative amino acid change located in the ATP-loop functional domain region in the encoded protein sequence (Luoma_2010). Five of five in-silico tools predict a damaging effect of the variant on protein function. The variant allele was found at a frequency of 4e-05 in 277638 control chromosomes (gnomAD and publications). This frequency is not significantly higher than expected for a pathogenic variant in ATP7B causing Wilson Disease (4e-05 vs 5.40e-03), allowing no conclusion about variant significance. The variant, c.3443T>C, has been reported in the literature in multiple individuals affected with Wilson Disease, in trans with other pathogenic variants (Loudianos_1998, Haas_1999, Gu_2003, Abdelghaffar_2008, Mak_2008, Panagiotakaki_2004). These data indicate that the variant is very likely to be associated with disease. One publication reports experimental evidence evaluating an impact on protein function, however, does not allow convincing conclusions about the variant effect (Luoma_2010). One clinical diagnostic laboratory has submitted clinical-significance assessments for this variant to ClinVar after 2014 and classified the variant as pathogenic. Based on the evidence outlined above, the variant was classified as pathogenic.

Eurofins Ntd Llc (ga)
Classification: Pathogenic. Last evaluated: 2017-06-20. Review status: criteria provided, single submitter. Criteria: EGL Classification Definitions 2015. Collection method: clinical testing. Allele origin: germline. Observed: 1 variant allele, 1 heterozygote.

Ambry Genetics
Classification: Likely pathogenic for Inborn genetic diseases. Last evaluated: 2015-11-24. Review status: criteria provided, single submitter. Criteria: Ambry Variant Classification Scheme 2023. Collection method: clinical testing. Allele origin: germline.
Comment: The p.I1148T variant (also known as c.3443T>C), located in coding exon 16 of the ATP7B gene, results from a T to C substitution at nucleotide position 3443. The isoleucine at codon 1148 is replaced by threonine, an amino acid with similar properties. In two studies, this alteration was detected in cohorts of individuals with Wilson disease (diagnoses based on clinical and biochemical symptoms) at rates of 8.7% and 9% (Mak CM, et al. J. Hum. Genet. 2008 ; 53(1):55-63, Wang LH, et al. J. Hum. Genet. 2011; 56(9):660-5). In one functional study, authors showed that this alteration did not show a loss of expression of full length protein on western blot, but they explained that the alteration is present in a b-sheet, with its functional group facing toward the nucleotide binding pocket, and may therefore affect hydrophobicity (Luoma LM, et al. Hum. Mutat. 2010;31(5):569-77). This alteration has been detected in both the heterozygous and homozygous state in several chromosomes from individuals with Wilson disease (diagnoses based on clinical and biochemical symptoms) (Gu S, et al. PLoS ONE 2013;8(7):e66526, Loudianos G, et al. Eur. J. Hum. Genet.;6(5):487-91, Dedoussis GV, et al. Ann. Hum. Genet. 2005;69(Pt 3):268-74, Panagiotakaki E, et al. Am. J. Med. Genet. A 2004;131(2):168-73, Vrabelova S, et al. Mol. Genet. Metab. ; 86(1-2):277-85, Panichareon B, et al. Eur J Med Genet ; 54(2):103-7). This variant was previously reported in the SNPDatabase as rs60431989, but was not reported in the 1000 Genomes Project or the NHLBI Exome Sequencing Project (ESP) population-based cohorts. This amino acid position is highly conserved in available vertebrate species. In addition, this alteration is predicted to be deleterious by in silico analysis. Based on the majority of available evidence to date, this variant is likely to be pathogenic.